The following is an entry in ClinVar:

ClinVar aggregate classification (germline): Conflicting classifications of pathogenicity. Review status: criteria provided, conflicting classifications (1 of 4 stars). 3 submissions from 3 submitters: Likely pathogenic (1); Uncertain significance (1). 1 of the submissions does not count toward it. Last evaluated 2021-09-17.

Conditions:
Mitochondrial complex V (ATP synthase) deficiency, nuclear type 4A (MC5DN4A). Identifiers: MedGen C5830480, MONDO:0957254, OMIM 620358.

Submissions (3):

Labcorp Genetics (formerly Invitae), Labcorp
Classification: Likely pathogenic. Last evaluated: 2021-09-17. Review status: criteria provided, single submitter. Criteria: Invitae Variant Classification Sherloc (09022015). Collection method: clinical testing. Allele origin: germline.

GeneDx
Classification: Uncertain significance. Last evaluated: 2021-02-24. Review status: criteria provided, single submitter. Criteria: GeneDx Variant Classification Process June 2021. Collection method: clinical testing. Allele origin: germline. Affected: yes.
Comment: Not observed in large population cohorts (Lek et al., 2016); In silico analysis, which includes protein predictors and evolutionary conservation, supports a deleterious effect; Has not been previously published as pathogenic or benign to our knowledge

OMIM
Classification: Pathogenic for MITOCHONDRIAL COMPLEX V (ATP SYNTHASE) DEFICIENCY, NUCLEAR TYPE 4A. Last evaluated: 2023-05-04. Review status: no assertion criteria provided. Collection method: literature only. Allele origin: germline. Not counted in ClinVar's aggregate classification.

Literature cited by the submitters: PubMed 34954817 (cited by OMIM).

NM_004046.6(ATP5F1A):c.1037C>T (p.Ser346Phe)

Gene: ATP5F1A (ATP synthase F1 subunit alpha; minus strand). Cytogenetic location: 18q21.1.
Variant type: single nucleotide variant.
Coding change: c.1037C>T on transcript NM_004046.6 (MANE Select); coding-DNA position 1037, C replaced by T.
Protein change: p.Ser346Phe; replaces serine 346 with phenylalanine.
Molecular consequence: missense variant.
Genome position (GRCh38, 1-based): chr18:46,087,147, G>A on the plus strand (C>T on the coding strand, the complement: ATP5F1A is on the minus strand). VCF-style: chr18-46087147-G-A. GRCh37 (hg19) VCF-style: chr18-43667113-G-A.
Other names: c.887C>T, p.Ser296Phe (NM_001001935.3, NM_001257335.2); c.1037C>T, p.Ser346Phe (NM_001001937.2); c.971C>T, p.Ser324Phe (NM_001257334.2); short protein forms S296F, S324F, S346F.
Identifiers: ClinVar variation 1321065 (VCV001321065.6), dbSNP rs2144178477, ClinGen allele CA402354816.